The following is an entry in ClinVar:

NC_000002.11:g.(?_233198540)_(233201340_?)del

Gene: DIS3L2 (DIS3 like 3'-5' exoribonuclease 2; plus strand). Cytogenetic location: 2q37.1.
Variant type: Deletion.
Identifiers: ClinVar variation 1402068 (VCV001402068.5).

ClinVar aggregate classification (germline): Uncertain significance (1 of 4 stars; one submission).

Conditions:
Perlman syndrome (PRLMNS). Identifiers: Orphanet 2849, MedGen C0796113, MONDO:0009965, OMIM 267000.

Submission:

Labcorp Genetics (formerly Invitae), Labcorp
Classification: Uncertain significance for Perlman syndrome. Last evaluated: 2023-02-04. Review status: criteria provided, single submitter. Criteria: Invitae Variant Classification Sherloc (09022015). Collection method: clinical testing. Allele origin: germline.
Comment: This variant is a gross deletion of the genomic region encompassing exon(s) 17-21 of the DIS3L2 gene, which includes the termination codon. This deletion extends beyond the assayed region for this gene and therefore may encompass additional genes. While this deletion is not anticipated to lead to nonsense mediated decay, it is expected to alter mRNA translation or result in a truncated protein product. This variant has not been reported in the literature in individuals affected with DIS3L2-related conditions. In summary, the available evidence is currently insufficient to determine the role of this variant in disease. Therefore, it has been classified as a Variant of Uncertain Significance.